The following is an entry in ClinVar:

ClinVar aggregate classification (germline): Likely benign. Review status: criteria provided, multiple submitters, no conflicts (2 of 4 stars). 4 submissions from 4 submitters: Likely benign (4). Last evaluated 2026-04-01.

Allele frequency attached by ClinVar (database versions not stated): 1000 Genomes Project 30x 0.00031; 1000 Genomes Project 0.00040; ExAC 0.00061; gnomAD exomes 0.00076; TOPMed 0.00082; ESP Exome Variant Server 0.00138.
gnomAD v4.1: 1,689 of 1,613,558 alleles (0.1%); highest among the groups gnomAD compares: Non-Finnish European, 0.12%; 2 homozygotes.

Submissions (4):

CeGaT Center for Human Genetics Tuebingen
Classification: Likely benign. Last evaluated: 2026-04-01. Review status: criteria provided, single submitter. Criteria: CeGaT Center For Human Genetics Tuebingen Variant Classification Criteria Version 2. Collection method: clinical testing. Allele origin: germline. Affected: yes. Observed: 3 variant alleles.
Comment: ANK3: BP4

Labcorp Genetics (formerly Invitae), Labcorp
Classification: Likely benign. Last evaluated: 2026-01-27. Review status: criteria provided, single submitter. Criteria: Invitae Variant Classification Sherloc (09022015). Collection method: clinical testing. Allele origin: germline.

Blueprint Genetics
Classification: Likely benign. Last evaluated: 2024-11-26. Review status: criteria provided, single submitter. Criteria: ACMG Guidelines, 2015. Collection method: clinical testing. Allele origin: germline.

Genetic Services Laboratory, University of Chicago
Classification: Likely benign. Last evaluated: 2016-08-18. Review status: criteria provided, single submitter. Criteria: ACMG Guidelines, 2015. Collection method: clinical testing. Allele origin: germline. Affected: no.

NM_020987.5(ANK3):c.399C>T (p.Val133=)

Gene: ANK3 (ankyrin 3; minus strand). Cytogenetic location: 10q21.2.
Variant type: single nucleotide variant.
Coding change: c.399C>T on transcript NM_020987.5 (MANE Select); coding-DNA position 399, C replaced by T.
Protein change: p.Val133=; no amino-acid change (valine 133 retained).
Molecular consequence: synonymous variant.
Genome position (GRCh38, 1-based): chr10:60,278,789, G>A on the plus strand (C>T on the coding strand, the complement: ANK3 is on the minus strand). VCF-style: chr10-60278789-G-A. GRCh37 (hg19) VCF-style: chr10-62038547-G-A.
Other names: c.381C>T, p.Val127= (NM_001204403.2); c.348C>T, p.Val116= (NM_001204404.2); c.399C>T, p.Val133= (NM_001320874.2).
Identifiers: ClinVar variation 434179 (VCV000434179.40), dbSNP rs77316697, ClinGen allele CA5513445.